The following is an entry in ClinVar:

NM_002476.2(MYL4):c.78_89dup (p.Pro31_Glu32insAlaProAlaPro)

Gene: MYL4 (myosin light chain 4; plus strand). Cytogenetic location: 17q21.32.
Variant type: Duplication.
Coding change: c.78_89dup on transcript NM_002476.2 (MANE Select); coding-DNA positions 78 to 89, 12 bases duplicated (CCCTGCCCCAGC).
Protein change: p.Pro31_Glu32insAlaProAlaPro.
Molecular consequence: inframe insertion.
Genome position (GRCh38, 1-based): chr17:47,209,500-47,209,511, CCCTGCCCCAGC duplicated; duplicating any 12 consecutive bases within chr17:47,209,495-47,209,511 gives the same sequence; the c. name uses the placement nearest the transcript's 3' end. VCF-style (leftmost placement, unchanged base first): chr17-47209494-A-ACCAGCCCCTGCC. GRCh37 (hg19) VCF-style: chr17-45286860-A-ACCAGCCCCTGCC.
Other names: c.78_89dup, p.Pro31_Glu32insAlaProAlaPro (NM_001002841.2).
Identifiers: ClinVar variation 2197754 (VCV002197754.4), dbSNP rs1313882175, ClinGen allele CA626381540.

ClinVar aggregate classification (germline): Uncertain significance (1 of 4 stars; one submission).

Conditions:
Atrial fibrillation, familial, 18 (ATFB18). Identifiers: MedGen C4310636, MONDO:0015001, OMIM 617280.

Submission:

Labcorp Genetics (formerly Invitae), Labcorp
Classification: Uncertain significance for Atrial fibrillation, familial, 18. Last evaluated: 2025-07-27. Review status: criteria provided, single submitter. Criteria: Invitae Variant Classification Sherloc (09022015). Collection method: clinical testing. Allele origin: germline.
Comment: This variant, c.78_89dup, results in the insertion of 4 amino acid(s) of the MYL4 protein (p.Ala28_Pro31dup), but otherwise preserves the integrity of the reading frame. This variant is present in population databases (no rsID available, gnomAD 0.02%). This variant has not been reported in the literature in individuals affected with MYL4-related conditions. ClinVar contains an entry for this variant (Variation ID: 2197754). In summary, the available evidence is currently insufficient to determine the role of this variant in disease. Therefore, it has been classified as a Variant of Uncertain Significance.